The following is an entry in ClinVar:

NM_001039660.2(IL18BP):c.565A>G (p.Ser189Gly)

Gene: IL18BP (interleukin 18 binding protein; plus strand). Cytogenetic location: 11q13.4.
Variant type: single nucleotide variant.
Coding change: c.565A>G on transcript NM_001039660.2 (MANE Select); coding-DNA position 565, A replaced by G.
Protein change: p.Ser189Gly; replaces serine 189 with glycine.
Molecular consequence: missense variant. On other transcripts: 3 prime UTR variant (1).
Genome position (GRCh38, 1-based): chr11:72,001,841, A>G. VCF-style: chr11-72001841-A-G. GRCh37 (hg19) VCF-style: chr11-71712887-A-G.
Other names: c.565A>G, p.Ser189Gly (NM_001039659.2, NM_001145057.1, NM_173042.2); c.293A>G, p.Gln98Arg (NM_001145055.1); c.*196A>G (NM_005699.3); c.437A>G, p.Gln146Arg (NM_173044.3); short protein forms Q98R, S189G, Q146R.
Identifiers: ClinVar variation 2881065 (VCV002881065.3), dbSNP rs752744292, ClinGen allele CA6166324.

ClinVar aggregate classification (germline): Uncertain significance (1 of 4 stars; one submission).

Allele frequency attached by ClinVar (database versions not stated): TOPMed 0.00002; ExAC 0.00003; gnomAD 0.00003; gnomAD exomes 0.00004.
gnomAD v4.1: 56 of 1,614,040 alleles (0.0035%); highest among the groups gnomAD compares: Non-Finnish European, 0.0046%; no homozygotes.

Submission:

Labcorp Genetics (formerly Invitae), Labcorp
Classification: Uncertain significance. Last evaluated: 2025-07-27. Review status: criteria provided, single submitter. Criteria: Invitae Variant Classification Sherloc (09022015). Collection method: clinical testing. Allele origin: germline.
Comment: This sequence change replaces serine, which is neutral and polar, with glycine, which is neutral and non-polar, at codon 189 of the IL18BP protein (p.Ser189Gly). This variant is present in population databases (rs752744292, gnomAD 0.005%). This variant has not been reported in the literature in individuals affected with IL18BP-related conditions. ClinVar contains an entry for this variant (Variation ID: 2881065). An algorithm developed to predict the effect of missense changes on protein structure and function (PolyPhen-2) suggests that this variant is likely to be tolerated. In summary, the available evidence is currently insufficient to determine the role of this variant in disease. Therefore, it has been classified as a Variant of Uncertain Significance.